The following is an entry in ClinVar:

ClinVar aggregate classification (germline): Uncertain significance. Review status: criteria provided, single submitter (1 of 4 stars). 2 submissions from 2 submitters: Uncertain significance (1). 1 of the submissions does not count toward it. Last evaluated 2022-02-02.

Conditions:
Cone-rod dystrophy 13 (CORD13). Identifiers: Orphanet 1872, MedGen C2750720, MONDO:0011987, OMIM 608194.
Leber congenital amaurosis 6 (LCA6). Identifiers: Orphanet 65, MedGen C1854260, MONDO:0013446, OMIM 613826.
Microcephaly. Also called: Microcephaly (disease). Identifiers: MedGen C4551563, MONDO:0001149, HP:0000252.

gnomAD v4.1: 33 of 1,613,636 alleles (0.002%); highest among the groups gnomAD compares: East Asian, 0.011%; no homozygotes.

Submissions (2):

Labcorp Genetics (formerly Invitae), Labcorp
Classification: Uncertain significance for Leber congenital amaurosis 6; Cone-rod dystrophy 13. Last evaluated: 2022-02-02. Review status: criteria provided, single submitter. Criteria: Invitae Variant Classification Sherloc (09022015). Collection method: clinical testing. Allele origin: germline.
Comment: This sequence change replaces serine, which is neutral and polar, with leucine, which is neutral and non-polar, at codon 1154 of the RPGRIP1 protein (p.Ser1154Leu). This variant is present in population databases (rs188312873, gnomAD 0.006%). This variant has not been reported in the literature in individuals affected with RPGRIP1-related conditions. ClinVar contains an entry for this variant (Variation ID: 813615). Algorithms developed to predict the effect of missense changes on protein structure and function (SIFT, PolyPhen-2, Align-GVGD) all suggest that this variant is likely to be tolerated. In summary, the available evidence is currently insufficient to determine the role of this variant in disease. Therefore, it has been classified as a Variant of Uncertain Significance.

Department of Pediatrics, Samsung Medical Center, Samsung Medical Center
Classification: Uncertain significance for Microcephaly. Review status: no assertion criteria provided. Criteria: ACMG Guidelines, 2015. Collection method: research. Allele origin: germline. Affected: yes. Not counted in ClinVar's aggregate classification.

NM_020366.4(RPGRIP1):c.3461C>T (p.Ser1154Leu)

Gene: RPGRIP1 (RPGR interacting protein 1; plus strand). Cytogenetic location: 14q11.2.
Variant type: single nucleotide variant.
Coding change: c.3461C>T on transcript NM_020366.4 (MANE Select); coding-DNA position 3461, C replaced by T.
Protein change: p.Ser1154Leu; replaces serine 1154 with leucine.
Molecular consequence: missense variant.
Genome position (GRCh38, 1-based): chr14:21,343,157, C>T. VCF-style: chr14-21343157-C-T. GRCh37 (hg19) VCF-style: chr14-21811316-C-T.
Other names: c.1439C>T, p.Ser480Leu (NM_001377523.1, NM_001377950.1); c.2387C>T, p.Ser796Leu (NM_001377948.1); c.1547C>T, p.Ser516Leu (NM_001377949.1); c.944C>T, p.Ser315Leu (NM_001377951.1); short protein forms S1154L, S315L, S480L, S516L, S796L.
Identifiers: ClinVar variation 813615 (VCV000813615.6), dbSNP rs188312873, ClinGen allele CA7089522.
Genomic context (GRCh38, chr14:21,343,157, plus strand): 5'-TGTCTGATGAGAACATAAAACAGGTGTATGTGGAGTACAAATTCTACGACCTACCCTTGT[C>T]GGAGACAGAGACTCCAGTGTCCCTAAGGAAGCCTAGGGCAGGAGAAGAAATCCACTTTCA-3'
Protein context (NP_065099.3, residues 1144-1164): VEYKFYDLPL[Ser1154Leu]ETETPVSLRK